The following is an entry in ClinVar:

ClinVar aggregate classification (germline): Likely benign. Review status: criteria provided, multiple submitters, no conflicts (2 of 4 stars). 9 submissions from 9 submitters: Likely benign (3). 6 of the submissions do not count toward it. Last evaluated 2025-11-28.

Conditions:
Hypertrophic cardiomyopathy 14. Identifiers: MedGen C2750467, MONDO:0013197, OMIM 613251.
MYH6-related disorder. Also called: MYH6-Related Disorders; MYH6-related condition.
Cardiovascular phenotype. Identifiers: MedGen CN230736.

Allele frequency attached by ClinVar (database versions not stated): ExAC 0.00004; gnomAD exomes 0.00005; ESP Exome Variant Server 0.00015; TOPMed 0.00016; gnomAD 0.00017 and 0.00019.
gnomAD v4.1: 101 of 1,614,028 alleles (0.0063%); highest among the groups gnomAD compares: African/African-American, 0.025%; no homozygotes.

Submissions (9):

Labcorp Genetics (formerly Invitae), Labcorp
Classification: Likely benign for Hypertrophic cardiomyopathy 14. Last evaluated: 2025-11-28. Review status: criteria provided, single submitter. Criteria: Invitae Variant Classification Sherloc (09022015). Collection method: clinical testing. Allele origin: germline.

Ambry Genetics
Classification: Likely benign for Cardiovascular phenotype. Last evaluated: 2017-02-17. Review status: criteria provided, single submitter. Criteria: Ambry Variant Classification Scheme 2023. Collection method: clinical testing. Allele origin: germline.

Breakthrough Genomics
Classification: Likely benign. Review status: criteria provided, single submitter. Criteria: ACMG Guidelines, 2015. Collection method: not provided. Allele origin: germline. Inheritance: Autosomal dominant inheritance. Affected: yes.

PreventionGenetics, part of Exact Sciences
Classification: Likely benign for MYH6-related condition. Last evaluated: 2020-10-23. Review status: no assertion criteria provided. Collection method: clinical testing. Allele origin: germline. Not counted in ClinVar's aggregate classification.
Comment: This variant is classified as likely benign based on ACMG/AMP sequence variant interpretation guidelines (Richards et al. 2015 PMID: 25741868, with internal and published modifications).

Clinical Genetics DNA and cytogenetics Diagnostics Lab, Erasmus MC, Erasmus Medical Center
Classification: Likely benign. Review status: no assertion criteria provided. Collection method: clinical testing. Allele origin: germline. Affected: yes. Study: VKGL Data-share Consensus. Not counted in ClinVar's aggregate classification.

Clinical Genetics, Academic Medical Center
Classification: Benign. Review status: no assertion criteria provided. Collection method: clinical testing. Allele origin: germline. Affected: yes. Study: VKGL Data-share Consensus. Not counted in ClinVar's aggregate classification.

Diagnostic Laboratory, Department of Genetics, University Medical Center Groningen
Classification: Likely benign. Review status: no assertion criteria provided. Collection method: clinical testing. Allele origin: germline. Affected: yes. Study: VKGL Data-share Consensus. Not counted in ClinVar's aggregate classification.

Genome Diagnostics Laboratory, University Medical Center Utrecht
Classification: Likely benign. Review status: no assertion criteria provided. Collection method: clinical testing. Allele origin: germline. Affected: yes. Study: VKGL Data-share Consensus. Not counted in ClinVar's aggregate classification.

Joint Genome Diagnostic Labs from Nijmegen and Maastricht, Radboudumc and MUMC+
Classification: Likely benign. Review status: no assertion criteria provided. Collection method: clinical testing. Allele origin: germline. Affected: yes. Study: VKGL Data-share Consensus. Not counted in ClinVar's aggregate classification.

NM_002471.4(MYH6):c.2841C>T (p.Asp947=)

Gene: MYH6 (myosin heavy chain 6; minus strand). Cytogenetic location: 14q11.2.
Variant type: single nucleotide variant.
Coding change: c.2841C>T on transcript NM_002471.4 (MANE Select); coding-DNA position 2841, C replaced by T.
Protein change: p.Asp947=; no amino-acid change (aspartic acid 947 retained).
Molecular consequence: synonymous variant.
Genome position (GRCh38, 1-based): chr14:23,393,753, G>A on the plus strand (C>T on the coding strand, the complement: MYH6 is on the minus strand). VCF-style: chr14-23393753-G-A. GRCh37 (hg19) VCF-style: chr14-23862962-G-A.
Identifiers: ClinVar variation 519156 (VCV000519156.35), dbSNP rs140305424, ClinGen allele CA7115366.